The following is an entry in ClinVar:

NM_024598.4(USB1):c.593T>C (p.Leu198Pro)

Gene: USB1 (U6 snRNA biogenesis phosphodiesterase 1; plus strand). Cytogenetic location: 16q21.
Variant type: single nucleotide variant.
Coding change: c.593T>C on transcript NM_024598.4 (MANE Select); coding-DNA position 593, T replaced by C.
Protein change: p.Leu198Pro; replaces leucine 198 with proline.
Molecular consequence: missense variant.
Genome position (GRCh38, 1-based): chr16:58,017,423, T>C. VCF-style: chr16-58017423-T-C. GRCh37 (hg19) VCF-style: chr16-58051327-T-C.
Other names: c.539T>C, p.Leu180Pro (NM_001195302.2); c.440T>C, p.Leu147Pro (NM_001330568.2); short protein forms L147P, L180P, L198P.
Identifiers: ClinVar variation 3813923 (VCV003813923.1).

ClinVar aggregate classification (germline): Uncertain significance (1 of 4 stars; one submission).

Conditions:
Inborn genetic diseases. Identifiers: MedGen C0950123, MeSH D030342.

Submission:

Ambry Genetics
Classification: Uncertain significance for Inborn genetic diseases. Last evaluated: 2025-03-14. Review status: criteria provided, single submitter. Criteria: Ambry Variant Classification Scheme 2023. Collection method: clinical testing. Allele origin: germline.
Comment: The p.L198P variant (also known as c.593T>C), located in coding exon 5 of the USB1 gene, results from a T to C substitution at nucleotide position 593. The leucine at codon 198 is replaced by proline, an amino acid with similar properties. This amino acid position is conserved. In addition, this alteration is predicted to be deleterious by in silico analysis. Based on the available evidence, the clinical significance of this variant remains unclear.